The following is an entry in ClinVar:

NM_000632.4(ITGAM):c.2158-13G>A

Gene: ITGAM (integrin subunit alpha M; plus strand). Cytogenetic location: 16p11.2.
Variant type: single nucleotide variant.
Coding change: c.2158-13G>A on transcript NM_000632.4 (MANE Select); 13 bases into the intron before coding-DNA position 2158, G replaced by A.
Molecular consequence: intron variant.
Genome position (GRCh38, 1-based): chr16:31,324,638, G>A. VCF-style: chr16-31324638-G-A. GRCh37 (hg19) VCF-style: chr16-31335959-G-A.
Other names: c.2161-13G>A (NM_001145808.2).
Identifiers: ClinVar variation 2870530 (VCV002870530.3), dbSNP rs1038863198, ClinGen allele CA280617016.

ClinVar aggregate classification (germline): Uncertain significance (1 of 4 stars; one submission).

Allele frequency attached by ClinVar (database versions not stated): TOPMed below 0.00001; gnomAD exomes 0.00001.
gnomAD v4.1: 12 of 1,605,438 alleles (0.00075%); highest among the groups gnomAD compares: African/African-American, 0.0027%; no homozygotes.

Submission:

Labcorp Genetics (formerly Invitae), Labcorp
Classification: Uncertain significance. Last evaluated: 2025-12-09. Review status: criteria provided, single submitter. Criteria: Invitae Variant Classification Sherloc (09022015). Collection method: clinical testing. Allele origin: germline.
Comment: This sequence change falls in intron 17 of the ITGAM gene. It does not directly change the encoded amino acid sequence of the ITGAM protein. The frequency data for this variant in the population databases is considered unreliable, as metrics indicate poor data quality at this position in the gnomAD database. This variant has not been reported in the literature in individuals affected with ITGAM-related conditions. ClinVar contains an entry for this variant (Variation ID: 2870530). Algorithms developed to predict the effect of sequence changes on RNA splicing suggest that this variant may disrupt the consensus splice site. In summary, the available evidence is currently insufficient to determine the role of this variant in disease. Therefore, it has been classified as a Variant of Uncertain Significance.